The following is an entry in ClinVar:

NM_130839.5(UBE3A):c.259_262dup (p.Gly88fs)

Genes: SNHG14 (small nucleolar RNA host gene 14; plus strand), UBE3A (ubiquitin protein ligase E3A; minus strand). Cytogenetic location: 15q11.2.
Variant type: Duplication.
Coding change: c.259_262dup on transcript NM_130839.5 (MANE Select); coding-DNA positions 259 to 262, 4 bases duplicated (AAAG; older notation c.259_262dupAAAG).
Protein change: p.Gly88fs; shifts the reading frame from glycine 88.
Molecular consequence: frameshift variant. On other transcripts: non-coding transcript variant (1).
Genome position (GRCh38, 1-based): chr15:25,375,564-25,375,567, CTTT duplicated on the plus strand (AAAG on the coding strand, the reverse complement: UBE3A is on the minus strand); duplicating any 4 consecutive bases within chr15:25,375,564-25,375,570 gives the same sequence; the c. name uses the placement nearest the transcript's 3' end. VCF-style (leftmost placement, unchanged base first): chr15-25375563-C-CCTTT. GRCh37 (hg19) VCF-style: chr15-25620710-C-CCTTT.
Other names: c.268_271dup, p.Gly91fs (NM_000462.5); c.259_262dup, p.Gly88fs (NM_001354505.1, NM_001354538.2, NM_001354545.2 and 1 more transcripts); c.199_202dup, p.Gly68fs (NM_001354506.2, NM_001354507.2, NM_001354508.2 and 18 more transcripts); c.82_85dup, p.Gly29fs (NM_001354546.2); short protein forms G68fs, G88fs, G91fs, G29fs.
Identifiers: ClinVar variation 136188 (VCV000136188.1), dbSNP rs587780566, ClinGen allele CA333457.
Genomic context (GRCh38, chr15:25,375,563, plus strand): 5'-ATCTCAGAGCAGGAGTTGTTGGGGGCACCTTTCGAGTTCTCAAGGTAAGCTGAGCTTGCT[C>CCTTT]CTTTCTTGGAGGGATGAGGATCACAGAGTTTTGCATTAATCTTATAAAGCTCGAGGGCTT-3'

ClinVar aggregate classification (germline): Pathogenic (0 of 4 stars; one submission).

Conditions:
Angelman syndrome (AS). Also called: HAPPY PUPPET SYNDROME. Identifiers: Orphanet 72, MedGen C0162635, MONDO:0007113, OMIM 105830. Disease mechanism: loss of function. Inheritance: AS is caused by disruption of maternally imprinted UBE3A located within the 15q11.2-q13 Angelman syndrome/Prader-Willi syndrome (AS/PWS) region., imprinting disorder.

Submission:

Baylor Genetics
Classification: Pathogenic for Angelman Syndrome. Last evaluated: 2014-02-14. Review status: no assertion criteria provided. Collection method: clinical testing. Allele origin: germline. Affected: yes. Observed: 1 variant allele. Study: UBE3A Mutation Study.
Comment: Data collected from clinical UBE3A sequence analysis results

Literature cited by the submitters: PubMed 25212744.